The following is an entry in ClinVar:

ClinVar aggregate classification (germline): Pathogenic. Review status: criteria provided, multiple submitters, no conflicts (2 of 4 stars). 2 submissions from 2 submitters: Pathogenic (2). Last evaluated 2025-12-30.

Conditions:
Dystonia 28, childhood-onset (DYT28). Also called: KMT2B-Related Dystonia (DYT-KMT2B). Identifiers: Orphanet 589618, MedGen C4310633, MONDO:0015004, OMIM 617284.

Submissions (2):

3billion
Classification: Pathogenic for Dystonia 28, childhood-onset. Last evaluated: 2025-12-30. Review status: criteria provided, single submitter. Criteria: ACMG Guidelines, 2015. Collection method: clinical testing. Allele origin: germline. Affected: yes.
Comment: The variant is observed at an extremely low frequency in the gnomAD v4.1.0 dataset (total allele frequency: <0.001%). Predicted Consequence/Location: Frameshift: predicted to result in a loss or disruption of normal protein function through nonsense-mediated decay (NMD) or protein truncation. Multiple pathogenic variants are reported downstream of the variant. The variant has been reported at least twice as pathogenic without evidence for the classification (ClinVar ID: VCV001207914 /PMID: 29653907 /3billion dataset). Therefore, this variant is classified as Pathogenic according to the recommendation of ACMG/AMP guideline.

GeneDx
Classification: Pathogenic. Last evaluated: 2024-04-15. Review status: criteria provided, single submitter. Criteria: GeneDx Variant Classification Process June 2021. Collection method: clinical testing. Allele origin: germline. Affected: yes.
Comment: Frameshift variant predicted to result in protein truncation or nonsense mediated decay in a gene for which loss-of-function is a known mechanism of disease; This variant is associated with the following publications: (PMID: 31216378, 31269560, 30196991, 33150406, 34380541, 35904121, 36247903, 29653907)

Literature cited by the submitters: PubMed 29653907 (cited by 3billion).

NM_014727.3(KMT2B):c.1656dup (p.Lys553fs)

Gene: KMT2B (lysine methyltransferase 2B; plus strand). Cytogenetic location: 19q13.12.
Variant type: Duplication.
Coding change: c.1656dup on transcript NM_014727.3 (MANE Select); coding-DNA position 1656, one base duplicated (C; older notation c.1656dupC).
Protein change: p.Lys553fs; shifts the reading frame from lysine 553.
Molecular consequence: frameshift variant.
Genome position (GRCh38, 1-based): chr19:35,721,003, C duplicated; the last of 7 consecutive C bases (chr19:35,720,997-35,721,003); duplicating any one gives the same sequence. VCF-style (leftmost placement, unchanged base first): chr19-35720996-A-AC. GRCh37 (hg19) VCF-style: chr19-36211898-A-AC.
Other names: c.1656dupC (NM_014727.2); c.1656dup (NM_014727.2); short protein forms K553fs.
Identifiers: ClinVar variation 1207914 (VCV001207914.6), dbSNP rs775294431, ClinGen allele CA9384261.